The following is an entry in ClinVar:

ClinVar aggregate classification (germline): Likely benign. Review status: criteria provided, single submitter (1 of 4 stars). 2 submissions from 2 submitters: Likely benign (1). 1 of the submissions does not count toward it. Last evaluated 2024-03-04.

Conditions:
KMT2D-related disorder. Also called: KMT2D-Related Disorders.
Kabuki syndrome. Also called: NIIKAWA-KUROKI SYNDROME; Kabuki make-up syndrome. Identifiers: Orphanet 2322, MedGen C0796004, MONDO:0016512.

Allele frequency attached by ClinVar (database versions not stated): TOPMed below 0.00001.

Submissions (2):

Labcorp Genetics (formerly Invitae), Labcorp
Classification: Likely benign for Kabuki syndrome. Last evaluated: 2024-03-04. Review status: criteria provided, single submitter. Criteria: Invitae Variant Classification Sherloc (09022015). Collection method: clinical testing. Allele origin: germline.

PreventionGenetics, part of Exact Sciences
Classification: Likely benign for KMT2D-related condition. Last evaluated: 2023-01-04. Review status: no assertion criteria provided. Collection method: clinical testing. Allele origin: germline. Not counted in ClinVar's aggregate classification.
Comment: This variant is classified as likely benign based on ACMG/AMP sequence variant interpretation guidelines (Richards et al. 2015 PMID: 25741868, with internal and published modifications).

NM_003482.4(KMT2D):c.13623G>A (p.Lys4541=)

Gene: KMT2D (lysine methyltransferase 2D; minus strand). Cytogenetic location: 12q13.12.
Variant type: single nucleotide variant.
Coding change: c.13623G>A on transcript NM_003482.4 (MANE Select); coding-DNA position 13623, G replaced by A.
Protein change: p.Lys4541=; no amino-acid change (lysine 4541 retained).
Molecular consequence: synonymous variant.
Genome position (GRCh38, 1-based): chr12:49,030,941, C>T on the plus strand (G>A on the coding strand, the complement: KMT2D is on the minus strand). VCF-style: chr12-49030941-C-T. GRCh37 (hg19) VCF-style: chr12-49424724-C-T.
Other names: c.13623G>A (NM_003482.3).
Identifiers: ClinVar variation 1556846 (VCV001556846.10), dbSNP rs1942875570, ClinGen allele CA479707526.